The following is an entry in ClinVar:

NM_003322.6(TULP1):c.1153G>C (p.Gly385Arg)

Gene: TULP1 (TUB like protein 1; minus strand). Cytogenetic location: 6p21.31.
Variant type: single nucleotide variant.
Coding change: c.1153G>C on transcript NM_003322.6 (MANE Select); coding-DNA position 1153, G replaced by C.
Protein change: p.Gly385Arg; replaces glycine 385 with arginine.
Molecular consequence: missense variant.
Genome position (GRCh38, 1-based): chr6:35,503,808, C>G on the plus strand (G>C on the coding strand, the complement: TULP1 is on the minus strand). VCF-style: chr6-35503808-C-G. GRCh37 (hg19) VCF-style: chr6-35471585-C-G.
Other names: c.994G>C, p.Gly332Arg (NM_001289395.2); short protein forms G332R, G385R.
Identifiers: ClinVar variation 841562 (VCV000841562.11), dbSNP rs766181526, ClinGen allele CA363779392.

ClinVar aggregate classification (germline): Pathogenic (1 of 4 stars; one submission).

Submission:

Labcorp Genetics (formerly Invitae), Labcorp
Classification: Pathogenic. Last evaluated: 2022-11-29. Review status: criteria provided, single submitter. Criteria: Invitae Variant Classification Sherloc (09022015). Collection method: clinical testing. Allele origin: germline.
Comment: This variant is not present in population databases (gnomAD no frequency). For these reasons, this variant has been classified as Pathogenic. Advanced modeling of protein sequence and biophysical properties (such as structural, functional, and spatial information, amino acid conservation, physicochemical variation, residue mobility, and thermodynamic stability) performed at Invitae indicates that this missense variant is expected to disrupt TULP1 protein function. ClinVar contains an entry for this variant (Variation ID: 841562). This missense change has been observed in individual(s) with Leber congenital amaurosis or retinitis pigmentosa (PMID: 26047050, 29641573). In at least one individual the data is consistent with being in trans (on the opposite chromosome) from a pathogenic variant. This sequence change replaces glycine, which is neutral and non-polar, with arginine, which is basic and polar, at codon 385 of the TULP1 protein (p.Gly385Arg).

Literature cited by the submitters: PubMed 26047050; PubMed 29641573.